The following is an entry in ClinVar:

ClinVar aggregate classification (germline): Uncertain significance (1 of 4 stars; one submission).

Conditions:
Glycogen storage disease IXd (GSD9D). Also called: Muscle Phosphorylase Kinase Deficiency; GSD IXd. Identifiers: Orphanet 715, MedGen C1845151, MONDO:0010362, OMIM 300559.

gnomAD v4.1: 5 of 1,206,822 alleles (0.00041%); highest among the groups gnomAD compares: Non-Finnish European, 0.00045%; no homozygotes.

Submission:

Labcorp Genetics (formerly Invitae), Labcorp
Classification: Uncertain significance for Glycogen storage disease IXd. Last evaluated: 2026-01-05. Review status: criteria provided, single submitter. Criteria: Invitae Variant Classification Sherloc (09022015). Collection method: clinical testing. Allele origin: germline.
Comment: This sequence change replaces valine, which is neutral and non-polar, with isoleucine, which is neutral and non-polar, at codon 856 of the PHKA1 protein (p.Val856Ile). This variant is not present in population databases (gnomAD no frequency). This variant has not been reported in the literature in individuals affected with PHKA1-related conditions. Invitae Evidence Modeling of protein sequence and biophysical properties (such as structural, functional, and spatial information, amino acid conservation, physicochemical variation, residue mobility, and thermodynamic stability) indicates that this missense variant is not expected to disrupt PHKA1 protein function with a negative predictive value of 80%. In summary, the available evidence is currently insufficient to determine the role of this variant in disease. Therefore, it has been classified as a Variant of Uncertain Significance.

NM_002637.4(PHKA1):c.2566G>A (p.Val856Ile)

Gene: PHKA1 (phosphorylase kinase regulatory subunit alpha 1; minus strand). Cytogenetic location: Xq13.1.
Variant type: single nucleotide variant.
Coding change: c.2566G>A on transcript NM_002637.4 (MANE Select); coding-DNA position 2566, G replaced by A.
Protein change: p.Val856Ile; replaces valine 856 with isoleucine.
Molecular consequence: missense variant.
Genome position (GRCh38, 1-based): chrX:72,609,664, C>T on the plus strand (G>A on the coding strand, the complement: PHKA1 is on the minus strand). VCF-style: chrX-72609664-C-T. GRCh37 (hg19) VCF-style: chrX-71829514-C-T.
Other names: c.2566G>A, p.Val856Ile (NM_001122670.2, NM_001431068.1, NM_001440787.1); c.2389G>A, p.Val797Ile (NM_001172436.2, NM_001440788.1); short protein forms V797I, V856I.
Identifiers: ClinVar variation 4807359 (VCV004807359.1).
Genomic context (GRCh38, chrX:72,609,664, plus strand): 5'-CCAAACCCAGCCATACTCACGCAGAGATAGTCTTTTCTCGAGGTTCTGGAGGAAGTCCTA[C>T]TGTCAAATGTTTCTGGTGGGAGAGAAGGTCTGTGCAGGCCTAACAAGAGATAGCATAATA-3'
Protein context (NP_002628.2, residues 846-866): DLLSHQKHLT[Val856Ile]GLPPEPREKT